The following is an entry in ClinVar:

NM_004415.4(DSP):c.1565T>C (p.Leu522Pro)

Gene: DSP (desmoplakin; plus strand). Cytogenetic location: 6p24.3.
Variant type: single nucleotide variant.
Coding change: c.1565T>C on transcript NM_004415.4 (MANE Select); coding-DNA position 1565, T replaced by C.
Protein change: p.Leu522Pro; replaces leucine 522 with proline.
Molecular consequence: missense variant.
Genome position (GRCh38, 1-based): chr6:7,569,331, T>C. VCF-style: chr6-7569331-T-C. GRCh37 (hg19) VCF-style: chr6-7569564-T-C.
Other names: c.1565T>C, p.Leu522Pro (NM_001008844.3, NM_001319034.2); c.1565T>C (NM_004415.2); short protein forms L522P.
Identifiers: ClinVar variation 1019087 (VCV001019087.10), dbSNP rs955640904, ClinGen allele CA133956435.

ClinVar aggregate classification (germline): Uncertain significance. Review status: criteria provided, multiple submitters, no conflicts (2 of 4 stars). 2 submissions from 2 submitters: Uncertain significance (2). Last evaluated 2025-12-26.

Conditions:
Cardiovascular phenotype. Identifiers: MedGen CN230736.
Arrhythmogenic cardiomyopathy with wooly hair and keratoderma. Also called: PALMOPLANTAR KERATODERMA WITH LEFT VENTRICULAR CARDIOMYOPATHY AND WOOLLY HAIR; Dilated cardiomyopathy with woolly hair and keratoderma; Carvajal syndrome; Arrhythmogenic cardiomyopathy with woolly hair and keratoderma. Identifiers: Orphanet 65282, MedGen C1854063, MONDO:0011581, OMIM 605676.
Arrhythmogenic right ventricular dysplasia 8 (ARVD8). Also called: ARRHYTHMOGENIC RIGHT VENTRICULAR DYSPLASIA, FAMILIAL, 8; ARRHYTHMOGENIC RIGHT VENTRICULAR CARDIOMYOPATHY 8; Arrhythmogenic Right Ventricular Dysplasia/Cardiomyopathy 8. Identifiers: MedGen C1843896, MONDO:0011831, OMIM 607450.

Allele frequency attached by ClinVar (database versions not stated): gnomAD exomes below 0.00001.
gnomAD v4.1: 4 of 1,614,100 alleles (0.00025%); highest among the groups gnomAD compares: Non-Finnish European, 0.00034%; no homozygotes.

Submissions (2):

Ambry Genetics
Classification: Uncertain significance for Cardiovascular phenotype. Last evaluated: 2025-12-26. Review status: criteria provided, single submitter. Criteria: Ambry Variant Classification Scheme 2023. Collection method: clinical testing. Allele origin: germline.
Comment: The p.L522P variant (also known as c.1565T>C), located in coding exon 12 of the DSP gene, results from a T to C substitution at nucleotide position 1565. The leucine at codon 522 is replaced by proline, an amino acid with similar properties. This amino acid position is conserved. In addition, this alteration is predicted to be deleterious by in silico analysis. Based on the available evidence, the clinical significance of this variant remains unclear.

Labcorp Genetics (formerly Invitae), Labcorp
Classification: Uncertain significance for Arrhythmogenic cardiomyopathy with wooly hair and keratoderma; Arrhythmogenic right ventricular dysplasia 8. Last evaluated: 2020-09-24. Review status: criteria provided, single submitter. Criteria: Invitae Variant Classification Sherloc (09022015). Collection method: clinical testing. Allele origin: germline.
Comment: In summary, the available evidence is currently insufficient to determine the role of this variant in disease. Therefore, it has been classified as a Variant of Uncertain Significance. Algorithms developed to predict the effect of missense changes on protein structure and function (SIFT, PolyPhen-2, Align-GVGD) all suggest that this variant is likely to be disruptive, but these predictions have not been confirmed by published functional studies and their clinical significance is uncertain. This variant has not been reported in the literature in individuals with DSP-related conditions. This variant is not present in population databases (ExAC no frequency). This sequence change replaces leucine with proline at codon 522 of the DSP protein (p.Leu522Pro). The leucine residue is highly conserved and there is a moderate physicochemical difference between leucine and proline.